The following is an entry in ClinVar:

ClinVar aggregate classification (germline): Uncertain significance (1 of 4 stars; one submission).

Allele frequency attached by ClinVar (database versions not stated): ExAC 0.00001; gnomAD 0.00003; TOPMed 0.00003.
gnomAD v4.1: 17 of 1,613,870 alleles (0.0011%); highest among the groups gnomAD compares: Middle Eastern, 0.016%; no homozygotes.

Submission:

Labcorp Genetics (formerly Invitae), Labcorp
Classification: Uncertain significance. Last evaluated: 2022-10-19. Review status: criteria provided, single submitter. Criteria: Invitae Variant Classification Sherloc (09022015). Collection method: clinical testing. Allele origin: germline.
Comment: This sequence change affects codon 1349 of the COL7A1 mRNA. It is a 'silent' change, meaning that it does not change the encoded amino acid sequence of the COL7A1 protein. This variant also falls at the last nucleotide of exon 34, which is part of the consensus splice site for this exon. This variant is present in population databases (rs769549619, gnomAD 0.007%). This variant has not been reported in the literature in individuals affected with COL7A1-related conditions. Variants that disrupt the consensus splice site are a relatively common cause of aberrant splicing (PMID: 17576681, 9536098). Algorithms developed to predict the effect of sequence changes on RNA splicing suggest that this variant may disrupt the consensus splice site. In summary, the available evidence is currently insufficient to determine the role of this variant in disease. Therefore, it has been classified as a Variant of Uncertain Significance.

Literature cited by the submitters: PubMed 17576681; PubMed 9536098.

NM_000094.4(COL7A1):c.4047G>A (p.Pro1349=)

Gene: COL7A1 (collagen type VII alpha 1 chain; minus strand). Cytogenetic location: 3p21.31.
Variant type: single nucleotide variant.
Coding change: c.4047G>A on transcript NM_000094.4 (MANE Select); coding-DNA position 4047, G replaced by A.
Protein change: p.Pro1349=; no amino-acid change (proline 1349 retained).
Molecular consequence: synonymous variant.
Genome position (GRCh38, 1-based): chr3:48,584,734, C>T on the plus strand (G>A on the coding strand, the complement: COL7A1 is on the minus strand). VCF-style: chr3-48584734-C-T. GRCh37 (hg19) VCF-style: chr3-48622167-C-T.
Identifiers: ClinVar variation 2201933 (VCV002201933.1), dbSNP rs769549619, ClinGen allele CA2380259.